The following is an entry in ClinVar:

ClinVar aggregate classification (germline): Uncertain significance (1 of 4 stars; one submission).

Conditions:
Costello syndrome (CSTLO). Also called: FACIOCUTANEOSKELETAL SYNDROME; FCS SYNDROME; HRAS-Related Costello Syndrome. Identifiers: Orphanet 3071, MedGen C0587248, MONDO:0009026, OMIM 218040.

gnomAD v4.1: 1 of 1,613,210 alleles (0.000062%); highest among the groups gnomAD compares: Non-Finnish European, 0.000085%; no homozygotes.

Submission:

Labcorp Genetics (formerly Invitae), Labcorp
Classification: Uncertain significance for Costello syndrome. Last evaluated: 2024-03-21. Review status: criteria provided, single submitter. Criteria: Invitae Variant Classification Sherloc (09022015). Collection method: clinical testing. Allele origin: germline.
Comment: This sequence change replaces lysine, which is basic and polar, with arginine, which is basic and polar, at codon 170 of the HRAS protein (p.Lys170Arg). This variant is not present in population databases (gnomAD no frequency). This variant has not been reported in the literature in individuals affected with HRAS-related conditions. Advanced modeling of protein sequence and biophysical properties (such as structural, functional, and spatial information, amino acid conservation, physicochemical variation, residue mobility, and thermodynamic stability) performed at Invitae indicates that this missense variant is not expected to disrupt HRAS protein function with a negative predictive value of 95%. Experimental studies have shown that this missense change affects HRAS function (PMID: 30442762). In summary, the available evidence is currently insufficient to determine the role of this variant in disease. Therefore, it has been classified as a Variant of Uncertain Significance.

Literature cited by the submitters: PubMed 30442762.

NM_005343.4(HRAS):c.509A>G (p.Lys170Arg)

Genes: HRAS (HRas proto-oncogene, GTPase; minus strand), LRRC56 (leucine rich repeat containing 56; plus strand). Cytogenetic location: 11p15.5.
Variant type: single nucleotide variant.
Coding change: c.509A>G on transcript NM_005343.4 (MANE Select); coding-DNA position 509, A replaced by G.
Protein change: p.Lys170Arg; replaces lysine 170 with arginine.
Molecular consequence: missense variant. On other transcripts: 3 prime UTR variant (1).
Genome position (GRCh38, 1-based): chr11:532,697, T>C on the plus strand (A>G on the coding strand, the complement: HRAS is on the minus strand). VCF-style: chr11-532697-T-C. GRCh37 (hg19) VCF-style: chr11-532697-T-C.
Other names: c.509A>G, p.Lys170Arg (NM_001130442.3); c.272A>G, p.Lys91Arg (NM_001318054.2); c.*78A>G (NM_176795.5); short protein forms K170R, K91R.
Identifiers: ClinVar variation 3637988 (VCV003637988.2).
Genomic context (GRCh38, chr11:532,697, plus strand): 5'-CAGGAGAGCACACACTTGCAGCTCATGCAGCCGGGGCCACTCTCATCAGGAGGGTTCAGC[T>C]TCCGCAGCTTGTGCTGCCGGATCTCACGCACCAACGTGTAGAAGGCATCCTCCACTCCCT-3'
Protein context (NP_005334.1, residues 160-180): VREIRQHKLR[Lys170Arg]LNPPDESGPG